The following is an entry in ClinVar:

NM_001244008.2(KIF1A):c.2479C>T (p.Arg827Cys)

Gene: KIF1A (kinesin family member 1A; minus strand). Cytogenetic location: 2q37.3.
Variant type: single nucleotide variant.
Coding change: c.2479C>T on transcript NM_001244008.2 (MANE Select); coding-DNA position 2479, C replaced by T.
Protein change: p.Arg827Cys; replaces arginine 827 with cysteine.
Molecular consequence: missense variant.
Genome position (GRCh38, 1-based): chr2:240,758,463, G>A on the plus strand (C>T on the coding strand, the complement: KIF1A is on the minus strand). VCF-style: chr2-240758463-G-A. GRCh37 (hg19) VCF-style: chr2-241697880-G-A.
Other names: c.2479C>T, p.Arg827Cys (NM_001320705.2, NM_001330289.2, NM_001379638.1); c.2554C>T, p.Arg852Cys (NM_001330290.2, NM_001379631.1, NM_001379634.1 and 2 more transcripts); c.2452C>T, p.Arg818Cys (NM_001379632.1, NM_001379633.1, NM_001379636.1 and 10 more transcripts); c.2527C>T, p.Arg843Cys (NM_001379637.1, NM_001379648.1); short protein forms R818C, R827C, R852C, R843C.
Identifiers: ClinVar variation 464220 (VCV000464220.50), dbSNP rs376012799, ClinGen allele CA2208089.

ClinVar aggregate classification (germline): Conflicting classifications of pathogenicity. Review status: criteria provided, conflicting classifications (1 of 4 stars). 4 submissions from 4 submitters: Uncertain significance (3); Likely benign (1). Last evaluated 2024-10-28.

Conditions:
Hereditary spastic paraplegia 30. Identifiers: Orphanet 101010, MedGen C5235139, MONDO:0012476.
Neuropathy, hereditary sensory, type 2C. Also called: Hereditary sensory and autonomic neuropathy type IIC; KIF1A-Related HSAN2 (HSAN2C). Identifiers: Orphanet 970, MedGen C3280168, MONDO:0013634, OMIM 614213.
Intellectual disability, autosomal dominant 9 (NESCAVS). Also called: NESCAV SYNDROME; KIF1A-Related Neurodevelopmental Disorder. Identifiers: Orphanet 662367, MedGen C5393830, MONDO:0013656, OMIM 614255.

Allele frequency attached by ClinVar (database versions not stated): gnomAD 0.00001 and 0.00002; TOPMed 0.00002; ExAC 0.00003; gnomAD exomes 0.00003 and 0.00004; ESP Exome Variant Server 0.00008.
gnomAD v4.1: 59 of 1,606,350 alleles (0.0037%); highest among the groups gnomAD compares: Non-Finnish European, 0.004%; no homozygotes.

Submissions (4):

Labcorp Genetics (formerly Invitae), Labcorp
Classification: Likely benign for Hereditary spastic paraplegia 30; Neuropathy, hereditary sensory, type 2C; Intellectual disability, autosomal dominant 9. Last evaluated: 2024-10-28. Review status: criteria provided, single submitter. Criteria: Invitae Variant Classification Sherloc (09022015). Collection method: clinical testing. Allele origin: germline.

Women's Health and Genetics/Laboratory Corporation of America, LabCorp
Classification: Uncertain significance. Last evaluated: 2023-10-11. Review status: criteria provided, single submitter. Criteria: LabCorp Variant Classification Summary - May 2015. Collection method: clinical testing. Allele origin: germline.
Comment: Variant summary: KIF1A c.2452C>T (p.Arg818Cys) results in a non-conservative amino acid change located in the Kinesin-like KIF1-type (IPR022140) of the encoded protein sequence. Four of five in-silico tools predict a damaging effect of the variant on protein function. The variant allele was found at a frequency of 3e-05 in 234952 control chromosomes. The available data on variant occurrences in the general population are insufficient to allow any conclusion about variant significance. To our knowledge, no occurrence of c.2452C>T in individuals affected with NESCAV Syndrome and no experimental evidence demonstrating its impact on protein function have been reported. Three submitters have cited clinical-significance assessments for this variant to ClinVar after 2014. Based on the evidence outlined above, the variant was classified as uncertain significance.

CeGaT Center for Human Genetics Tuebingen
Classification: Uncertain significance. Last evaluated: 2021-09-01. Review status: criteria provided, single submitter. Criteria: CeGaT Center For Human Genetics Tuebingen Variant Classification Criteria Version 2. Collection method: clinical testing. Allele origin: germline. Affected: yes. Observed: 2 variant alleles.

Mayo Clinic Laboratories, Mayo Clinic
Classification: Uncertain significance. Last evaluated: 2021-03-15. Review status: criteria provided, single submitter. Criteria: ACMG Guidelines, 2015. Collection method: clinical testing. Allele origin: germline. Observed: 1 variant allele.